The following is an entry in ClinVar:

ClinVar aggregate classification (germline): Pathogenic (1 of 4 stars; one submission).

Conditions:
Rhabdoid tumor predisposition syndrome 2 (RTPS2). Identifiers: Orphanet 231108, Orphanet 69077, MedGen C2750074, MONDO:0013224, OMIM 613325.

Submission:

Labcorp Genetics (formerly Invitae), Labcorp
Classification: Pathogenic for Rhabdoid tumor predisposition syndrome 2. Last evaluated: 2021-06-02. Review status: criteria provided, single submitter. Criteria: Invitae Variant Classification Sherloc (09022015). Collection method: clinical testing. Allele origin: germline.
Comment: This variant has not been reported in the literature in individuals with SMARCA4-related conditions. For these reasons, this variant has been classified as Pathogenic. This variant is not present in population databases (ExAC no frequency). This sequence change creates a premature translational stop signal (p.Gln1071Profs*11) in the SMARCA4 gene. It is expected to result in an absent or disrupted protein product. Loss-of-function variants in SMARCA4 are known to be pathogenic (PMID: 24658001, 24658002).

Literature cited by the submitters: PubMed 24658001; PubMed 24658002.

NM_003072.5(SMARCA4):c.3211dup (p.Gln1071fs)

Gene: SMARCA4 (SWI/SNF related BAF chromatin remodeling complex subunit ATPase 4; plus strand). Cytogenetic location: 19p13.2.
Variant type: Duplication.
Coding change: c.3211dup on transcript NM_003072.5 (MANE Select); coding-DNA position 3211, one base duplicated (C; older notation c.3211dupC).
Protein change: p.Gln1071fs; shifts the reading frame from glutamine 1071.
Molecular consequence: frameshift variant. On other transcripts: non-coding transcript variant (1).
Genome position (GRCh38, 1-based): chr19:11,026,342, C duplicated; the last of 2 consecutive C bases (chr19:11,026,341-11,026,342); duplicating either gives the same sequence. VCF-style (leftmost placement, unchanged base first): chr19-11026340-T-TC. GRCh37 (hg19) VCF-style: chr19-11137016-T-TC.
Other names: c.3211dup, p.Gln1071fs (NM_001128844.3, NM_001128845.2, NM_001128846.2 and 5 more transcripts); short protein forms Q1071fs.
Identifiers: ClinVar variation 1454864 (VCV001454864.6), dbSNP rs2146516794, ClinGen allele CA2573155605.